The following is an entry in ClinVar:

ClinVar aggregate classification (germline): Uncertain significance (1 of 4 stars; one submission).

Submission:

Labcorp Genetics (formerly Invitae), Labcorp
Classification: Uncertain significance. Last evaluated: 2022-11-01. Review status: criteria provided, single submitter. Criteria: Invitae Variant Classification Sherloc (09022015). Collection method: clinical testing. Allele origin: germline.
Comment: In summary, the available evidence is currently insufficient to determine the role of this variant in disease. Therefore, it has been classified as a Variant of Uncertain Significance. Algorithms developed to predict the effect of missense changes on protein structure and function are either unavailable or do not agree on the potential impact of this missense change (SIFT: "Deleterious"; PolyPhen-2: "Possibly Damaging"; Align-GVGD: "Class C0"). This variant has not been reported in the literature in individuals affected with TUBGCP6-related conditions. This variant is not present in population databases (gnomAD no frequency). This sequence change replaces serine, which is neutral and polar, with tyrosine, which is neutral and polar, at codon 421 of the TUBGCP6 protein (p.Ser421Tyr).

NM_020461.4(TUBGCP6):c.1262C>A (p.Ser421Tyr)

Gene: TUBGCP6 (tubulin gamma complex component 6; minus strand). Cytogenetic location: 22q13.33.
Variant type: single nucleotide variant.
Coding change: c.1262C>A on transcript NM_020461.4 (MANE Select); coding-DNA position 1262, C replaced by A.
Protein change: p.Ser421Tyr; replaces serine 421 with tyrosine.
Molecular consequence: missense variant.
Genome position (GRCh38, 1-based): chr22:50,229,432, G>T on the plus strand (C>A on the coding strand, the complement: TUBGCP6 is on the minus strand). VCF-style: chr22-50229432-G-T. GRCh37 (hg19) VCF-style: chr22-50667861-G-T.
Other names: short protein forms S421Y.
Identifiers: ClinVar variation 2090776 (VCV002090776.4), dbSNP rs150294995, ClinGen allele CA325469535.
Genomic context (GRCh38, chr22:50,229,432, plus strand): 5'-GGTGTGTGACAACCATGAGGCAAAGGCCATACCTGGAACACGAGGCCCTTGCTGTACAAA[G>T]AGTCCAGGACGGGCTGCAGAGAGAAATGACTCAGGCGCGTGTAGCAGGTCCCATACTCGG-3'
Protein context (NP_065194.3, residues 411-431): SHFSLQPVLD[Ser421Tyr]LYSKGLVFQA